The following is an entry in ClinVar:

NM_020812.4(DOCK6):c.6102-3C>T

Gene: DOCK6 (dedicator of cytokinesis 6; minus strand). Cytogenetic location: 19p13.2.
Variant type: single nucleotide variant.
Coding change: c.6102-3C>T on transcript NM_020812.4 (MANE Select); 3 bases into the intron before coding-DNA position 6102, C replaced by T.
Molecular consequence: intron variant.
Genome position (GRCh38, 1-based): chr19:11,199,542, G>A on the plus strand (C>T on the coding strand, the complement: DOCK6 is on the minus strand). VCF-style: chr19-11199542-G-A. GRCh37 (hg19) VCF-style: chr19-11310218-G-A.
Other names: c.6207-3C>T (NM_001367830.1).
Identifiers: ClinVar variation 2002783 (VCV002002783.4), dbSNP rs1316222868, ClinGen allele CA632115942.

ClinVar aggregate classification (germline): Uncertain significance (1 of 4 stars; one submission).

Allele frequency attached by ClinVar (database versions not stated): TOPMed below 0.00001.

Submission:

Labcorp Genetics (formerly Invitae), Labcorp
Classification: Uncertain significance. Last evaluated: 2022-07-14. Review status: criteria provided, single submitter. Criteria: Invitae Variant Classification Sherloc (09022015). Collection method: clinical testing. Allele origin: germline.
Comment: This sequence change falls in intron 47 of the DOCK6 gene. It does not directly change the encoded amino acid sequence of the DOCK6 protein. It affects a nucleotide within the consensus splice site. In summary, the available evidence is currently insufficient to determine the role of this variant in disease. Therefore, it has been classified as a Variant of Uncertain Significance. Variants that disrupt the consensus splice site are a relatively common cause of aberrant splicing (PMID: 17576681, 9536098). Algorithms developed to predict the effect of sequence changes on RNA splicing suggest that this variant is not likely to affect RNA splicing. This variant has not been reported in the literature in individuals affected with DOCK6-related conditions. This variant is not present in population databases (gnomAD no frequency).

Literature cited by the submitters: PubMed 17576681; PubMed 9536098.